The following is an entry in ClinVar:

ClinVar aggregate classification (germline): Benign/Likely benign. Review status: criteria provided, multiple submitters, no conflicts (2 of 4 stars). 4 submissions from 4 submitters: Benign (1); Likely benign (3). Last evaluated 2026-01-27.

Allele frequency attached by ClinVar (database versions not stated): gnomAD exomes 0.00024 and 0.00067; ExAC 0.00070; ESP Exome Variant Server 0.00215; TOPMed 0.00225; gnomAD 0.00232 and 0.00246; 1000 Genomes Project 0.00260; 1000 Genomes Project 30x 0.00344.
gnomAD v4.1: 731 of 1,613,900 alleles (0.045%); highest among the groups gnomAD compares: African/African-American, 0.7%; 1 homozygote.

Submissions (4):

Labcorp Genetics (formerly Invitae), Labcorp
Classification: Likely benign. Last evaluated: 2026-01-27. Review status: criteria provided, single submitter. Criteria: Invitae Variant Classification Sherloc (09022015). Collection method: clinical testing. Allele origin: germline.

GeneDx
Classification: Likely benign. Last evaluated: 2021-06-10. Review status: criteria provided, single submitter. Criteria: GeneDx Variant Classification Process June 2021. Collection method: clinical testing. Allele origin: germline. Affected: yes.
Comment: In silico analysis, which includes protein predictors and evolutionary conservation, supports that this variant does not alter protein structure/function; Has not been previously published as pathogenic or benign to our knowledge

Eurofins Ntd Llc (ga)
Classification: Benign. Last evaluated: 2015-07-28. Review status: criteria provided, single submitter. Criteria: EGL Classification Definitions 2015. Collection method: clinical testing. Allele origin: germline. Observed: 2 variant alleles, 2 heterozygotes.

PreventionGenetics, part of Exact Sciences
Classification: Likely benign. Review status: criteria provided, single submitter. Criteria: ACMG Guidelines, 2015. Collection method: clinical testing. Allele origin: germline.

NM_000124.4(ERCC6):c.4065T>G (p.Asp1355Glu)

Gene: ERCC6 (ERCC excision repair 6, chromatin remodeling factor; minus strand). Cytogenetic location: 10q11.23.
Variant type: single nucleotide variant.
Coding change: c.4065T>G on transcript NM_000124.4 (MANE Select); coding-DNA position 4065, T replaced by G.
Protein change: p.Asp1355Glu; replaces aspartic acid 1355 with glutamic acid.
Molecular consequence: missense variant.
Genome position (GRCh38, 1-based): chr10:49,459,232, A>C on the plus strand (T>G on the coding strand, the complement: ERCC6 is on the minus strand). VCF-style: chr10-49459232-A-C. GRCh37 (hg19) VCF-style: chr10-50667278-A-C.
Other names: c.4065T>G, p.Asp1355Glu (NM_001346440.2); short protein forms D1355E.
Identifiers: ClinVar variation 255167 (VCV000255167.17), dbSNP rs34917815, ClinGen allele CA5495183.